The following is an entry in ClinVar:

NM_005909.5(MAP1B):c.7389A>C (p.Ala2463=)

Gene: MAP1B (microtubule associated protein 1B; plus strand). Cytogenetic location: 5q13.2.
Variant type: single nucleotide variant.
Coding change: c.7389A>C on transcript NM_005909.5 (MANE Select); coding-DNA position 7389, A replaced by C.
Protein change: p.Ala2463=; no amino-acid change (alanine 2463 retained).
Molecular consequence: synonymous variant.
Genome position (GRCh38, 1-based): chr5:72,205,221, A>C. VCF-style: chr5-72205221-A-C. GRCh37 (hg19) VCF-style: chr5-71501048-A-C.
Other names: c.7011A>C, p.Ala2337= (NM_001324255.2).
Identifiers: ClinVar variation 4874272 (VCV004874272.2).
Genomic context (GRCh38, chr5:72,205,221, plus strand): 5'-CAACATCATGGTTTTAGCAAGCAGCAGCACAGTGGTTATGCAAGATGAATCCTTCCCTGC[A>C]TGCAAGATTGAACTGTAAAAACCAAGGCCAGCCACACCACAGGATCTGAACTTTGTTTCC-3'
Protein context (NP_005900.2, residues 2453-2468): TVVMQDESFP[Ala2463=]CKIEL

ClinVar aggregate classification (germline): Likely benign (1 of 4 stars; one submission).

Submission:

CeGaT Center for Human Genetics Tuebingen
Classification: Likely benign. Last evaluated: 2026-05-01. Review status: criteria provided, single submitter. Criteria: CeGaT Center For Human Genetics Tuebingen Variant Classification Criteria Version 2. Collection method: clinical testing. Allele origin: germline. Affected: yes. Observed: 1 variant allele.
Comment: MAP1B: PM2:Supporting, BP4, BP7